The following is an entry in ClinVar:

NM_001127222.2(CACNA1A):c.1797_1798insGAG (p.Leu599_Arg600insGlu)

Gene: CACNA1A (calcium voltage-gated channel subunit alpha1 A; minus strand). Cytogenetic location: 19p13.13.
Variant type: Insertion.
Coding change: c.1797_1798insGAG on transcript NM_001127222.2 (MANE Select); coding-DNA positions 1797 to 1798, GAG inserted.
Protein change: p.Leu599_Arg600insGlu.
Molecular consequence: inframe insertion.
Genome position: GRCh38 VCF-style: chr19-13308235-T-TCTC. GRCh37 (hg19) VCF-style: chr19-13419049-T-TCTC.
Other names: c.1800_1801insGAG, p.Leu600_Arg601insGlu (NM_000068.4, NM_001127221.2, NM_001174080.2 and 1 more transcripts).
Identifiers: ClinVar variation 3390180 (VCV003390180.14).

ClinVar aggregate classification (germline): Likely pathogenic (1 of 4 stars; one submission).

Submission:

CeGaT Center for Human Genetics Tuebingen
Classification: Likely pathogenic. Last evaluated: 2024-11-01. Review status: criteria provided, single submitter. Criteria: CeGaT Center For Human Genetics Tuebingen Variant Classification Criteria Version 2. Collection method: clinical testing. Allele origin: germline. Affected: yes. Observed: 3 variant alleles.
Comment: CACNA1A: PM1, PM2, PP1:Moderate, PM4:Supporting